The following is an entry in ClinVar:

ClinVar aggregate classification (germline): Uncertain significance. Review status: criteria provided, multiple submitters, no conflicts (2 of 4 stars). 2 submissions from 2 submitters: Uncertain significance (2). Last evaluated 2024-04-04.

Conditions:
Colorectal cancer, susceptibility to, 1. Also called: COLORECTAL ADENOMA AND CANCER, SUSCEPTIBILITY TO; COLORECTAL CANCER, SUSCEPTIBILITY TO, ON CHROMOSOME 9. Identifiers: MedGen C1837315, MONDO:0012132, OMIM 608812.

Allele frequency attached by ClinVar (database versions not stated): TOPMed below 0.00001; gnomAD 0.00006.
gnomAD v4.1: 17 of 1,573,012 alleles (0.0011%); highest among the groups gnomAD compares: Non-Finnish European, 0.0011%; no homozygotes.

Submissions (2):

Ambry Genetics
Classification: Uncertain significance. Last evaluated: 2024-04-04. Review status: criteria provided, single submitter. Criteria: Ambry Variant Classification Scheme 2023. Collection method: clinical testing. Allele origin: germline.
Comment: The p.H234Q variant (also known as c.702C>G), located in coding exon 3 of the GALNT12 gene, results from a C to G substitution at nucleotide position 702. The histidine at codon 234 is replaced by glutamine, an amino acid with highly similar properties. This amino acid position is highly conserved in available vertebrate species. In addition, the in silico prediction for this alteration is inconclusive. The evidence for this gene-disease relationship is limited; therefore, the clinical significance of this alteration is unclear.

Baylor Genetics
Classification: Uncertain significance for Colorectal cancer, susceptibility to, 1. Last evaluated: 2023-11-30. Review status: criteria provided, single submitter. Criteria: ACMG Guidelines, 2015. Collection method: clinical testing. Allele origin: unknown.

NM_024642.5(GALNT12):c.702C>G (p.His234Gln)

Gene: GALNT12 (polypeptide N-acetylgalactosaminyltransferase 12; plus strand). Cytogenetic location: 9q22.33.
Variant type: single nucleotide variant.
Coding change: c.702C>G on transcript NM_024642.5 (MANE Select); coding-DNA position 702, C replaced by G.
Protein change: p.His234Gln; replaces histidine 234 with glutamine.
Molecular consequence: missense variant.
Genome position (GRCh38, 1-based): chr9:98,826,912, C>G. VCF-style: chr9-98826912-C-G. GRCh37 (hg19) VCF-style: chr9-101589194-C-G.
Other names: short protein forms H234Q.
Identifiers: ClinVar variation 826782 (VCV000826782.6), dbSNP rs760069331, ClinGen allele CA374217795.